The following is an entry in ClinVar:

ClinVar aggregate classification (germline): Uncertain significance. Review status: criteria provided, multiple submitters, no conflicts (2 of 4 stars). 3 submissions from 3 submitters: Uncertain significance (3). Last evaluated 2025-04-09.

Conditions:
Cardiovascular phenotype. Identifiers: MedGen CN230736.

Allele frequency attached by ClinVar (database versions not stated): gnomAD 0.00001; TOPMed 0.00001; ExAC 0.00002; gnomAD exomes 0.00002.
gnomAD v4.1: 20 of 1,614,060 alleles (0.0012%); highest among the groups gnomAD compares: Middle Eastern, 0.016%; no homozygotes.

Submissions (3):

Molecular Diagnostic Laboratory for Inherited Cardiovascular Disease, Montreal Heart Institute
Classification: Uncertain significance for Cardiovascular phenotype. Last evaluated: 2025-04-09. Review status: criteria provided, single submitter. Criteria: ACMG Guidelines, 2015. Collection method: clinical testing. Allele origin: germline. Affected: yes.

Labcorp Genetics (formerly Invitae), Labcorp
Classification: Uncertain significance. Last evaluated: 2023-10-18. Review status: criteria provided, single submitter. Criteria: Invitae Variant Classification Sherloc (09022015). Collection method: clinical testing. Allele origin: germline.
Comment: This sequence change replaces tryptophan, which is neutral and slightly polar, with leucine, which is neutral and non-polar, at codon 1600 of the ALPK3 protein (p.Trp1600Leu). This variant is present in population databases (rs756411505, gnomAD 0.004%). This variant has not been reported in the literature in individuals affected with ALPK3-related conditions. ClinVar contains an entry for this variant (Variation ID: 1494477). An algorithm developed to predict the effect of missense changes on protein structure and function (PolyPhen-2) suggests that this variant is likely to be disruptive. In summary, the available evidence is currently insufficient to determine the role of this variant in disease. Therefore, it has been classified as a Variant of Uncertain Significance.

Ambry Genetics
Classification: Uncertain significance for Cardiovascular phenotype. Last evaluated: 2022-04-19. Review status: criteria provided, single submitter. Criteria: Ambry Variant Classification Scheme 2023. Collection method: clinical testing. Allele origin: germline.
Comment: The p.W1600L variant (also known as c.4799G>T), located in coding exon 10 of the ALPK3 gene, results from a G to T substitution at nucleotide position 4799. The tryptophan at codon 1600 is replaced by leucine, an amino acid with similar properties. This amino acid position is conserved. In addition, this alteration is predicted to be tolerated by in silico analysis. Since supporting evidence is limited at this time, the clinical significance of this alteration remains unclear.

NM_020778.5(ALPK3):c.4193G>T (p.Trp1398Leu)

Gene: ALPK3 (alpha kinase 3; plus strand). Cytogenetic location: 15q25.3.
Variant type: single nucleotide variant.
Coding change: c.4193G>T on transcript NM_020778.5 (MANE Select); coding-DNA position 4193, G replaced by T.
Protein change: p.Trp1398Leu; replaces tryptophan 1398 with leucine.
Molecular consequence: missense variant.
Genome position (GRCh38, 1-based): chr15:84,862,698, G>T. VCF-style: chr15-84862698-G-T. GRCh37 (hg19) VCF-style: chr15-85405929-G-T.
Other names: short protein forms W1398L.
Identifiers: ClinVar variation 1494477 (VCV001494477.9), dbSNP rs756411505, ClinGen allele CA7709895.